The following is an entry in ClinVar:

ClinVar aggregate classification (germline): Conflicting classifications of pathogenicity. Review status: criteria provided, conflicting classifications (1 of 4 stars). 2 submissions from 2 submitters: Uncertain significance (1); Likely benign (1). Last evaluated 2024-08-22.

Allele frequency attached by ClinVar (database versions not stated): 1000 Genomes Project 30x 0.00016; 1000 Genomes Project 0.00020.
gnomAD v4.1: 192 of 1,613,822 alleles (0.012%); highest among the groups gnomAD compares: Middle Eastern, 0.099%; no homozygotes.

Submissions (2):

Blueprint Genetics
Classification: Likely benign. Last evaluated: 2024-08-22. Review status: criteria provided, single submitter. Criteria: ACMG Guidelines, 2015. Collection method: clinical testing. Allele origin: germline.

GeneDx
Classification: Uncertain significance. Last evaluated: 2022-02-19. Review status: criteria provided, single submitter. Criteria: GeneDx Variant Classification Process June 2021. Collection method: clinical testing. Allele origin: germline. Affected: yes.
Comment: In silico analysis supports that this missense variant does not alter protein structure/function; Has not been previously published as pathogenic or benign to our knowledge

NM_001377304.1(GFI1B):c.610G>T (p.Ala204Ser)

Gene: GFI1B (growth factor independent 1B transcriptional repressor; plus strand). Cytogenetic location: 9q34.13.
Variant type: single nucleotide variant.
Coding change: c.610G>T on transcript NM_001377304.1 (MANE Select); coding-DNA position 610, G replaced by T.
Protein change: p.Ala204Ser; replaces alanine 204 with serine.
Molecular consequence: missense variant. On other transcripts: intron variant (2).
Genome position (GRCh38, 1-based): chr9:132,989,160, G>T. VCF-style: chr9-132989160-G-T. GRCh37 (hg19) VCF-style: chr9-135864547-G-T.
Other names: c.610G>T, p.Ala204Ser (NM_001371908.1, NM_004188.8); c.511-582G>T (NM_001135031.2, NM_001377305.1); short protein forms A204S.
Identifiers: ClinVar variation 1702558 (VCV001702558.3), dbSNP rs62638686, ClinGen allele CA5302013.